The following is an entry in ClinVar:

ClinVar aggregate classification (germline): Conflicting classifications of pathogenicity. Review status: criteria provided, conflicting classifications (1 of 4 stars). 4 submissions from 4 submitters: Uncertain significance (3); Benign (1). Last evaluated 2025-12-09.

Conditions:
Cardiomyopathy (CMYO). Also called: Cardiomyopathies. Identifiers: Orphanet 167848, MedGen C0878544, MONDO:0004994, HP:0001638. Inheritance: Various modes of inheritance.
Cardiovascular phenotype. Identifiers: MedGen CN230736.
Dilated cardiomyopathy 1DD (CMD1DD). Identifiers: Orphanet 154, MedGen C2750995, MONDO:0013168, OMIM 613172.

Allele frequency attached by ClinVar (database versions not stated): TOPMed below 0.00001; gnomAD 0.00001 and 0.00002; gnomAD exomes 0.00001 and 0.00004; ExAC 0.00010; 1000 Genomes Project 30x 0.00016; 1000 Genomes Project 0.00020; ESP Exome Variant Server 0.00022.
gnomAD v4.1: 19 of 1,364,656 alleles (0.0014%); highest among the groups gnomAD compares: East Asian, 0.02%; no homozygotes.

Submissions (4):

Labcorp Genetics (formerly Invitae), Labcorp
Classification: Benign for Dilated cardiomyopathy 1DD. Last evaluated: 2025-12-09. Review status: criteria provided, single submitter. Criteria: Invitae Variant Classification Sherloc (09022015). Collection method: clinical testing. Allele origin: germline.

Ambry Genetics
Classification: Uncertain significance for Cardiovascular phenotype. Last evaluated: 2025-10-29. Review status: criteria provided, single submitter. Criteria: Ambry Variant Classification Scheme 2023. Collection method: clinical testing. Allele origin: germline.
Comment: The p.V1219M variant (also known as c.3655G>A), located in coding exon 14 of the RBM20 gene, results from a G to A substitution at nucleotide position 3655. The valine at codon 1219 is replaced by methionine, an amino acid with highly similar properties. This amino acid position is well conserved in available vertebrate species. In addition, the in silico prediction for this alteration is inconclusive. Based on the available evidence, the clinical significance of this variant remains unclear.

ARUP Laboratories, Molecular Genetics and Genomics, ARUP Laboratories
Classification: Uncertain significance for Dilated cardiomyopathy 1DD. Last evaluated: 2025-07-23. Review status: criteria provided, single submitter. Criteria: ARUP Molecular Germline Variant Investigation Process 2024. Collection method: clinical testing. Allele origin: germline.
Comment: The RBM20 c.3655G>A; p.Val1219Met variant (rs374875207, ClinVar Variation ID: 538022) is reported in the literature in one individual affected with hypertrophic cardiomyopathy (Dai 2021). This variant is found in the general population with an overall allele frequency of 0.004% (7/172,098 alleles) in the Genome Aggregation Database (v2.1.1). Computational analyses are uncertain whether this variant is neutral or deleterious (REVEL: 0.373). Due to limited information, the clinical significance of this variant is uncertain at this time. References: Dai J et al. RBM20 Is a Candidate Gene for Hypertrophic Cardiomyopathy. Can J Cardiol. 2021 Nov;37(11):1751-1759. PMID: 34333030.

CHEO Genetics Diagnostic Laboratory, Children's Hospital of Eastern Ontario
Classification: Uncertain significance for Cardiomyopathy. Last evaluated: 2022-11-17. Review status: criteria provided, single submitter. Criteria: ACMG Guidelines, 2015. Collection method: clinical testing. Allele origin: germline.

NM_001134363.3(RBM20):c.3655G>A (p.Val1219Met)

Gene: RBM20 (RNA binding motif protein 20; plus strand). Cytogenetic location: 10q25.2.
Variant type: single nucleotide variant.
Coding change: c.3655G>A on transcript NM_001134363.3 (MANE Select); coding-DNA position 3655, G replaced by A.
Protein change: p.Val1219Met; replaces valine 1219 with methionine.
Molecular consequence: missense variant.
Genome position (GRCh38, 1-based): chr10:110,835,949, G>A. VCF-style: chr10-110835949-G-A. GRCh37 (hg19) VCF-style: chr10-112595707-G-A.
Other names: c.3655G>A (NM_001134363.1); short protein forms V1219M.
Identifiers: ClinVar variation 538022 (VCV000538022.10), dbSNP rs374875207, ClinGen allele CA5688812.